The following is an entry in ClinVar:

NM_014956.5(CEP164):c.3868C>A (p.Pro1290Thr)

Gene: CEP164 (centrosomal protein 164; plus strand). Cytogenetic location: 11q23.3.
Variant type: single nucleotide variant.
Coding change: c.3868C>A on transcript NM_014956.5 (MANE Select); coding-DNA position 3868, C replaced by A.
Protein change: p.Pro1290Thr; replaces proline 1290 with threonine.
Molecular consequence: missense variant.
Genome position (GRCh38, 1-based): chr11:117,409,737, C>A. VCF-style: chr11-117409737-C-A. GRCh37 (hg19) VCF-style: chr11-117280453-C-A.
Other names: c.3853C>A, p.Pro1285Thr (NM_001271933.2); c.3874C>A, p.Pro1292Thr (NM_001440949.1); c.3868C>A, p.Pro1290Thr (NM_001440950.1, NM_001440951.1); c.3859C>A, p.Pro1287Thr (NM_001440952.1); c.3844C>A, p.Pro1282Thr (NM_001440953.1); c.3790C>A, p.Pro1264Thr (NM_001440954.1, NM_001440955.1); c.3781C>A, p.Pro1261Thr (NM_001440956.1); c.3778C>A, p.Pro1260Thr (NM_001440957.1); and 21 more; short protein forms P1145T, P1162T, P1206T, P1212T, P1214T, P1236T, P1261T, P1165T.
Identifiers: ClinVar variation 4989016 (VCV004989016.1).

ClinVar aggregate classification (germline): Uncertain significance (1 of 4 stars; one submission).

Conditions:
CEP164-related disorder. Also called: CEP164-related condition.

gnomAD v4.1: 1 of 1,613,982 alleles (0.000062%); highest among the groups gnomAD compares: Non-Finnish European, 0.000085%; no homozygotes.

Submission:

PreventionGenetics, part of Exact Sciences
Classification: Uncertain significance for CEP164-related condition. Last evaluated: 2026-02-20. Review status: criteria provided, single submitter. Criteria: ACMG Guidelines, 2015. Collection method: clinical testing. Allele origin: germline.
Comment: The CEP164 c.3868C>A variant is predicted to result in the amino acid substitution p.Pro1290Thr. To our knowledge, this variant has not been reported in the literature or in a large population database (gnomAD), indicating this variant is rare. At this time, the clinical significance of this variant is uncertain due to the absence of conclusive functional and genetic evidence.